The following is an entry in ClinVar:

ClinVar aggregate classification (germline): Uncertain significance. Review status: criteria provided, multiple submitters, no conflicts (2 of 4 stars). 2 submissions from 2 submitters: Uncertain significance (2). Last evaluated 2026-04-09.

Conditions:
ANK2-related Autism.

Allele frequency attached by ClinVar (database versions not stated): gnomAD exomes below 0.00001; TOPMed 0.00001.
gnomAD v4.1: 5 of 1,289,846 alleles (0.00039%); highest among the groups gnomAD compares: Non-Finnish European, 0.00051%; no homozygotes.

Submissions (2):

Dasa
Classification: Uncertain significance. Last evaluated: 2026-04-09. Review status: criteria provided, single submitter. Criteria: DASA Assertion Criteria. Collection method: clinical testing. Allele origin: germline.
Comment: NM_001386174.1(ANK2):c.40A>G (p.Lys14Glu) is a missense variant that results in the substitution of lysine with glutamic acid. This variant is rare in population databases. Computational prediction algorithms are consistent with a benign effect. The currently available literature and clinical evidence are not sufficient to establish a definitive association between this variant and the reported condition. Therefore, this variant is classified as a variant of uncertain significance.

New York Genome Center
Classification: Uncertain significance for ANK2-related Autism. Last evaluated: 2020-02-25. Review status: criteria provided, single submitter. Criteria: NYGC Assertion Criteria 2020. Collection method: clinical testing. Allele origin: inherited. Observed: 1 heterozygote. Study: CSER-NYCKidSeq.

NM_001148.6(ANK2):c.85-28508A>G

Gene: ANK2 (ankyrin 2; plus strand). Cytogenetic location: 4q25.
Variant type: single nucleotide variant.
Coding change: c.85-28508A>G on transcript NM_001148.6 (MANE Select); 28508 bases into the intron before coding-DNA position 85, A replaced by G.
Molecular consequence: intron variant. On other transcripts: missense variant (2).
Genome position (GRCh38, 1-based): chr4:113,145,908, A>G. VCF-style: chr4-113145908-A-G. GRCh37 (hg19) VCF-style: chr4-114067064-A-G.
Other names: c.40A>G, p.Lys14Glu (NM_001386174.1, NM_001386175.1); c.73-28508A>G (NM_001386186.2, NM_001386148.2, NM_001354269.3 and 1 more transcripts); c.22-5172A>G (NM_001386147.1, NM_001386160.1, NM_001354261.2); c.22-28508A>G (NM_001354254.2, NM_001354239.2, NM_001354252.2 and 33 more transcripts); c.85-5172A>G (NM_001354241.2); c.85-28508A>G (NM_001354225.2, NM_001354235.2, NM_001354246.2 and 9 more transcripts); c.129+28490A>G (NM_001386152.1, NM_001354237.2, NM_001354230.2 and 4 more transcripts); short protein forms K14E.
Identifiers: ClinVar variation 977361 (VCV000977361.5), dbSNP rs1235009220, ClinGen allele CA357992284.